The following is an entry in ClinVar:

NM_000018.4(ACADVL):c.1894C>T (p.Arg632Cys)

Gene: ACADVL (acyl-CoA dehydrogenase very long chain; plus strand). Cytogenetic location: 17p13.1.
Variant type: single nucleotide variant.
Coding change: c.1894C>T on transcript NM_000018.4 (MANE Select); coding-DNA position 1894, C replaced by T.
Protein change: p.Arg632Cys; replaces arginine 632 with cysteine.
Molecular consequence: missense variant.
Genome position (GRCh38, 1-based): chr17:7,225,023, C>T. VCF-style: chr17-7225023-C-T. GRCh37 (hg19) VCF-style: chr17-7128342-C-T.
Other names: NM_000018.4(ACADVL):c.1894C>T; p.Arg632Cys; c.1828C>T, p.Arg610Cys (NM_001033859.3); c.1963C>T, p.Arg655Cys (NM_001270447.2); c.1666C>T, p.Arg556Cys (NM_001270448.2); short protein forms R632C, R655C, R556C, R610C.
Identifiers: ClinVar variation 474894 (VCV000474894.65), dbSNP rs151254520, ClinGen allele CA8338308.

ClinVar aggregate classification (germline): Uncertain significance. Review status: reviewed by expert panel (3 of 4 stars). 14 submissions from 14 submitters: Uncertain significance (1). 13 of the submissions do not count toward it. Last evaluated 2025-07-22.

Conditions:
Very long chain acyl-CoA dehydrogenase deficiency (ACADVLD). Also called: Very Long-Chain Acyl-Coenzyme A Dehydrogenase Deficiency; VLCAD Deficiency. Identifiers: Orphanet 26793, MedGen C3887523, MONDO:0008723, OMIM 201475.

Allele frequency attached by ClinVar (database versions not stated): ESP Exome Variant Server 0.00015; TOPMed 0.00018; gnomAD exomes 0.00027 and 0.00030; gnomAD 0.00034 and 0.00038; ExAC 0.00037.
gnomAD v4.1: 436 of 1,613,998 alleles (0.027%); highest among the groups gnomAD compares: Non-Finnish European, 0.034%; 2 homozygotes.

Submissions (14):

ClinGen ACADVL Variant Curation Expert Panel, ClinGen
Classification: Uncertain significance for Very long chain acyl-CoA dehydrogenase deficiency. Last evaluated: 2025-07-22. Review status: reviewed by expert panel. Criteria: clingen acadvl acmg specifications v1. Collection method: curation. Allele origin: germline. Inheritance: Autosomal recessive inheritance.
Comment: The NM_000018.4(ACADVL): c.1894C>T; (p.Arg632Cys) variant is a missense variant predicted to cause substitution of arginine by cystine at amino acid 632. The highest population minor allele frequency in gnomAD v4.1 is 0.0003 in the non-Finnish European population, which is lower than the ClinGen ACADVL Variant Curation Expert Panel threshold (<0.001) for PM2_Supporting, meeting this criterion (PM2_Supporting). The computational predictor REVEL gives a score of 0.407, which is below the threshold of 0.5, evidence that does not predict a damaging effect on ACADVL function (BP4). At least one individual with this variant was identified by newborn screen, but this information is insufficient to use toward classification (PMID: 27209629, PMID: 35281659). Due to conflicting evidence, this variant is classified as a variant of uncertain significance for autosomal recessive VLCAD deficiency based on the ACMG/AMP criteria applied, as specified by the ClinGen ACADVL Variant Curation Expert Panel: BP4, PM2_supporting (ACADVL VCEP specifications version 2; approved May 1, 2025).

Myriad Genetics, Inc.
Classification: Uncertain significance for Very long chain acyl-CoA dehydrogenase deficiency. Last evaluated: 2026-07-21. Review status: criteria provided, single submitter. Criteria: Myriad Autosomal Dominant, Autosomal Recessive and X-Linked Classification Criteria (2023). Collection method: clinical testing. Allele origin: unknown. Not counted in ClinVar's aggregate classification.
Comment: NM_000018.3(ACADVL):c.1894C>T(R632C) is a missense variant classified as a variant of uncertain significance in the context of very-long-chain acyl-CoA dehydrogenase deficiency. R632C has been observed in cases with relevant disease (PMID: 27209629, 38229914). Relevant functional assessments of this variant are not available in the literature. R632C has been observed in referenced population frequency databases. In summary, there is insufficient evidence to classify NM_000018.3(ACADVL):c.1894C>T(R632C) as pathogenic or benign. Please note: this variant was assessed in the context of healthy population screening.

Dasa
Classification: Uncertain significance. Last evaluated: 2025-09-08. Review status: criteria provided, single submitter. Criteria: DASA Assertion Criteria. Collection method: clinical testing. Allele origin: germline. Not counted in ClinVar's aggregate classification.
Comment: NM_000018.4(ACADVL):c.1894C>T (p.Arg632Cys) is a missense variant that results in the substitution of arginine with cysteine. This variant has been reported in individuals with ACADVL-related disorders (PMID: 27209629). Also, this variant is rare in population databases. The currently available literature and clinical evidence are not sufficient to establish a definitive association between this variant and the reported condition. Therefore, this variant is classified as a variant of uncertain significance.

Laboratory of Genetics, Children's Clinical University Hospital Latvia
Classification: Likely pathogenic. Last evaluated: 2025-02-16. Review status: criteria provided, single submitter. Criteria: ACMG Guidelines, 2015. Collection method: clinical testing. Allele origin: germline. Affected: yes. Not counted in ClinVar's aggregate classification.

Labcorp Genetics (formerly Invitae), Labcorp
Classification: Uncertain significance for Very long chain acyl-CoA dehydrogenase deficiency. Last evaluated: 2025-02-03. Review status: criteria provided, single submitter. Criteria: Invitae Variant Classification Sherloc (09022015). Collection method: clinical testing. Allele origin: germline. Not counted in ClinVar's aggregate classification.
Comment: This sequence change replaces arginine, which is basic and polar, with cysteine, which is neutral and slightly polar, at codon 632 of the ACADVL protein (p.Arg632Cys). This variant is present in population databases (rs151254520, gnomAD 0.07%). This missense change has been observed in individual(s) with very long-chain acyl-CoA dehydrogenase deficiency (PMID: 27209629; internal data). ClinVar contains an entry for this variant (Variation ID: 474894). Invitae Evidence Modeling of protein sequence and biophysical properties (such as structural, functional, and spatial information, amino acid conservation, physicochemical variation, residue mobility, and thermodynamic stability) has been performed for this missense variant. However, the output from this modeling did not meet the statistical confidence thresholds required to predict the impact of this variant on ACADVL protein function. In summary, the available evidence is currently insufficient to determine the role of this variant in disease. Therefore, it has been classified as a Variant of Uncertain Significance.

Blueprint Genetics
Classification: Uncertain significance. Last evaluated: 2024-11-26. Review status: criteria provided, single submitter. Criteria: ACMG Guidelines, 2015. Collection method: clinical testing. Allele origin: germline. Not counted in ClinVar's aggregate classification.

GeneDx
Classification: Uncertain significance. Last evaluated: 2024-07-16. Review status: criteria provided, single submitter. Criteria: GeneDx Variant Classification Process June 2021. Collection method: clinical testing. Allele origin: germline. Affected: yes. Not counted in ClinVar's aggregate classification.
Comment: Identified in an asymptomatic newborn who screened positive for VLCAD deficiency and was found to harbor a second variant in ACADVL (PMID: 27209629); Identified with a second ACADVL variant in an individual with 54% residual enzyme activity in patient lymphocytes (PMID: 35281659); In silico analysis supports that this missense variant has a deleterious effect on protein structure/function; This variant is associated with the following publications: (PMID: 26385305, 28798025, 34426522, 28719003, 25352556, 26740555, 27377421, 29970176, 27209629, 35281659)

Baylor Genetics
Classification: Likely pathogenic for Very long chain acyl-CoA dehydrogenase deficiency. Last evaluated: 2024-03-26. Review status: criteria provided, single submitter. Criteria: ACMG Guidelines, 2015. Collection method: clinical testing. Allele origin: unknown. Not counted in ClinVar's aggregate classification.

Mendelics
Classification: Uncertain significance. Last evaluated: 2022-05-04. Review status: criteria provided, single submitter. Criteria: Mendelics Assertion Criteria 2019. Collection method: clinical testing. Allele origin: germline. Not counted in ClinVar's aggregate classification.

New York Genome Center
Classification: Uncertain significance for Very long chain acyl-CoA dehydrogenase deficiency. Last evaluated: 2021-07-16. Review status: criteria provided, single submitter. Criteria: NYGC Assertion Criteria 2020. Collection method: clinical testing. Allele origin: inherited. Observed: 1 heterozygote. Study: CSER-NYCKidSeq. Not counted in ClinVar's aggregate classification.

CeGaT Center for Human Genetics Tuebingen
Classification: Uncertain significance. Last evaluated: 2021-02-01. Review status: criteria provided, single submitter. Criteria: CeGaT Center For Human Genetics Tuebingen Variant Classification Criteria Version 2. Collection method: clinical testing. Allele origin: germline. Affected: yes. Observed: 1 variant allele. Not counted in ClinVar's aggregate classification.

Wong Mito Lab, Molecular and Human Genetics, Baylor College of Medicine
Classification: Uncertain significance for Very long chain acyl-CoA dehydrogenase deficiency. Last evaluated: 2019-11-01. Review status: criteria provided, single submitter. Criteria: ACMG Guidelines, 2015. Collection method: clinical testing. Allele origin: germline. Not counted in ClinVar's aggregate classification.
Comment: The NM_000018.3:c.1894C>T (NP_000009.1:p.Arg632Cys) [GRCH38: NC_000017.11:g.7225023C>T] variant in ACADVL gene is interpretated to be Uncertain Significance based on ACMG guidelines (PMID: 25741868). This variant has been reported. This variant meets the following evidence codes reported in the ACMG guidelines: PP3

Natera, Inc.
Classification: Uncertain significance for Very long chain acyl-CoA dehydrogenase deficiency. Last evaluated: 2020-02-18. Review status: no assertion criteria provided. Collection method: clinical testing. Allele origin: germline. Not counted in ClinVar's aggregate classification.

Counsyl
Classification: Uncertain significance for Very long chain acyl-CoA dehydrogenase deficiency. Last evaluated: 2017-01-06. Review status: no assertion criteria provided. Collection method: clinical testing. Allele origin: unknown. Not counted in ClinVar's aggregate classification.

Literature cited by the submitters: PubMed 27209629 (cited by 4 submitters); PubMed 38229914 (cited by Myriad Genetics, Inc.); PubMed 26385305 (cited by Counsyl).